The following is an entry in ClinVar:

NM_000246.4(CIITA):c.*158G>A

Gene: CIITA (class II major histocompatibility complex transactivator; plus strand). Cytogenetic location: 16p13.13.
Variant type: single nucleotide variant.
Coding change: c.*158G>A on transcript NM_000246.4 (MANE Select); 158 bases downstream of the stop codon, G replaced by A.
Molecular consequence: 3 prime UTR variant. On other transcripts: non-coding transcript variant (1), intron variant (5).
Genome position (GRCh38, 1-based): chr16:10,924,013, G>A. VCF-style: chr16-10924013-G-A. GRCh37 (hg19) VCF-style: chr16-11017870-G-A.
Other names: c.*158G>A (NM_001286402.1, NM_001286403.2); c.*22+688G>A (NM_001379332.1, NM_001379330.1, NM_001379333.1 and 2 more transcripts).
Identifiers: ClinVar variation 317731 (VCV000317731.6), dbSNP rs45451491, ClinGen allele CA10646927.

ClinVar aggregate classification (germline): Benign. Review status: criteria provided, multiple submitters, no conflicts (2 of 4 stars). 2 submissions from 2 submitters: Benign (2). Last evaluated 2018-01-13.

Conditions:
MHC class II deficiency. Also called: Bare lymphocyte syndrome 2; BLS, TYPE II. Identifiers: Orphanet 572, MedGen C5447452, MONDO:0008855.

Allele frequency attached by ClinVar (database versions not stated): TOPMed 0.02671; gnomAD exomes 0.03390; 1000 Genomes Project 30x 0.01390; gnomAD 0.02819 and 0.02886; 1000 Genomes Project 0.01378.
gnomAD v4.1: 4,307 of 152,930 alleles (2.8%); highest among the groups gnomAD compares: Non-Finnish European, 4.1%; 80 homozygotes.

Submissions (2):

Illumina Laboratory Services, Illumina
Classification: Benign for MHC class II deficiency 1. Last evaluated: 2018-01-13. Review status: criteria provided, single submitter. Criteria: ICSL Variant Classification Criteria 13 December 2019. Collection method: clinical testing. Allele origin: germline.
Comment: This variant was observed in the ICSL laboratory as part of a predisposition screen in an ostensibly healthy population. It had not been previously curated by ICSL or reported in the Human Gene Mutation Database (HGMD: prior to June 1st, 2018), and was therefore a candidate for classification through an automated scoring system. Utilizing variant allele frequency, disease prevalence and penetrance estimates, and inheritance mode, an automated score was calculated to assess if this variant is too frequent to cause the disease. Based on the score and internal cut-off values, a variant classified as benign is not then subjected to further curation. The score for this variant resulted in a classification of benign for this disease.

Breakthrough Genomics
Classification: Benign. Review status: criteria provided, single submitter. Criteria: ACMG Guidelines, 2015. Collection method: not provided. Allele origin: germline. Inheritance: Autosomal recessive inheritance. Affected: yes.